The following is an entry in ClinVar:

NM_000465.4(BARD1):c.992C>A (p.Pro331His)

Gene: BARD1 (BRCA1 associated RING domain 1; minus strand). Cytogenetic location: 2q35.
Variant type: single nucleotide variant.
Coding change: c.992C>A on transcript NM_000465.4 (MANE Select); coding-DNA position 992, C replaced by A.
Protein change: p.Pro331His; replaces proline 331 with histidine.
Molecular consequence: missense variant. On other transcripts: non-coding transcript variant (2), intron variant (3).
Genome position (GRCh38, 1-based): chr2:214,780,882, G>T on the plus strand (C>A on the coding strand, the complement: BARD1 is on the minus strand). VCF-style: chr2-214780882-G-T. GRCh37 (hg19) VCF-style: chr2-215645606-G-T.
Other names: c.935C>A, p.Pro312His (NM_001282543.2); c.159-28327C>A (NM_001282548.2); c.215+16179C>A (NM_001282545.2); c.364+11415C>A (NM_001282549.2); short protein forms P312H, P331H.
Identifiers: ClinVar variation 1004007 (VCV001004007.10), dbSNP rs1422030098, ClinGen allele CA350454471.

ClinVar aggregate classification (germline): Uncertain significance (1 of 4 stars; one submission).

Conditions:
Familial cancer of breast. Also called: Hereditary breast cancer; hereditary breast carcinoma; BREAST CANCER, FAMILIAL. Identifiers: Orphanet 227535, MedGen C0346153, MONDO:0016419, OMIM 114480. Disease mechanism: loss of function.

Submission:

Labcorp Genetics (formerly Invitae), Labcorp
Classification: Uncertain significance for Familial cancer of breast. Last evaluated: 2025-07-31. Review status: criteria provided, single submitter. Criteria: Invitae Variant Classification Sherloc (09022015). Collection method: clinical testing. Allele origin: germline.
Comment: This sequence change replaces proline, which is neutral and non-polar, with histidine, which is basic and polar, at codon 331 of the BARD1 protein (p.Pro331His). This variant is not present in population databases (gnomAD no frequency). This variant has not been reported in the literature in individuals affected with BARD1-related conditions. ClinVar contains an entry for this variant (Variation ID: 1004007). An algorithm developed to predict the effect of missense changes on protein structure and function (PolyPhen-2) suggests that this variant is likely to be disruptive. In summary, the available evidence is currently insufficient to determine the role of this variant in disease. Therefore, it has been classified as a Variant of Uncertain Significance.